The following is an entry in ClinVar:

NM_001374353.1(GLI2):c.1416G>T (p.Met472Ile)

Gene: GLI2 (GLI family zinc finger 2; plus strand). Cytogenetic location: 2q14.2.
Variant type: single nucleotide variant.
Coding change: c.1416G>T on transcript NM_001374353.1 (MANE Select); coding-DNA position 1416, G replaced by T.
Protein change: p.Met472Ile; replaces methionine 472 with isoleucine.
Molecular consequence: missense variant.
Genome position (GRCh38, 1-based): chr2:120,978,532, G>T. VCF-style: chr2-120978532-G-T. GRCh37 (hg19) VCF-style: chr2-121736108-G-T.
Other names: c.1467G>T, p.Met489Ile (NM_001371271.1, NM_005270.5); c.1041G>T, p.Met347Ile (NM_001374354.1); short protein forms M489I, M347I, M472I.
Identifiers: ClinVar variation 4996286 (VCV004996286.1).

ClinVar aggregate classification (germline): Uncertain significance (1 of 4 stars; one submission).

Conditions:
GLI2-related disorder. Also called: GLI2-related condition; GLI2-related disorders.

Submission:

PreventionGenetics, part of Exact Sciences
Classification: Uncertain significance for GLI2-related condition. Last evaluated: 2026-06-17. Review status: criteria provided, single submitter. Criteria: ACMG Guidelines, 2015. Collection method: clinical testing. Allele origin: germline.
Comment: The GLI2 c.1467G>T variant is predicted to result in the amino acid substitution p.Met489Ile. To our knowledge, this variant has not been reported in the literature or in a large population database (gnomAD), indicating this variant is rare. At this time, the clinical significance of this variant is uncertain due to the absence of conclusive functional and genetic evidence.